The following is an entry in ClinVar:

ClinVar aggregate classification (germline): Conflicting classifications of pathogenicity. Review status: criteria provided, conflicting classifications (1 of 4 stars). 2 submissions from 2 submitters: Likely pathogenic (1); Uncertain significance (1). Last evaluated 2022-01-01.

Conditions:
Johanson-Blizzard syndrome (JBS). Also called: Nasal alar hypoplasia, hypothyroidism, pancreatic achylia and congenital deafness. Identifiers: Orphanet 2315, MedGen C0175692, MONDO:0009479, OMIM 243800.

Submissions (2):

Provincial Medical Genetics Program of British Columbia, University of British Columbia
Classification: Uncertain significance for Johanson-Blizzard syndrome. Last evaluated: 2022-01-01. Review status: criteria provided, single submitter. Criteria: ACMG Guidelines, 2015. Collection method: clinical testing. Allele origin: maternal. Affected: yes.

GeneDx
Classification: Likely pathogenic. Last evaluated: 2021-03-18. Review status: criteria provided, single submitter. Criteria: GeneDx Variant Classification Process June 2021. Collection method: clinical testing. Allele origin: germline. Affected: yes.
Comment: Not observed in large population cohorts (Lek et al., 2016); In silico analysis supports that this missense variant has a deleterious effect on protein structure/function; Has not been previously published as pathogenic or benign to our knowledge

NM_174916.3(UBR1):c.2273G>A (p.Gly758Glu)

Gene: UBR1 (ubiquitin protein ligase E3 component n-recognin 1; minus strand). Cytogenetic location: 15q15.2.
Variant type: single nucleotide variant.
Coding change: c.2273G>A on transcript NM_174916.3 (MANE Select); coding-DNA position 2273, G replaced by A.
Protein change: p.Gly758Glu; replaces glycine 758 with glutamic acid.
Molecular consequence: missense variant.
Genome position (GRCh38, 1-based): chr15:43,030,050, C>T on the plus strand (G>A on the coding strand, the complement: UBR1 is on the minus strand). VCF-style: chr15-43030050-C-T. GRCh37 (hg19) VCF-style: chr15-43322248-C-T.
Other names: short protein forms G758E.
Identifiers: ClinVar variation 429676 (VCV000429676.4), dbSNP rs1131691524, ClinGen allele CA392070953.